The following is an entry in ClinVar:

NM_000426.4(LAMA2):c.2921C>T (p.Ser974Phe)

Gene: LAMA2 (laminin subunit alpha 2; plus strand). Cytogenetic location: 6q22.33.
Variant type: single nucleotide variant.
Coding change: c.2921C>T on transcript NM_000426.4 (MANE Select); coding-DNA position 2921, C replaced by T.
Protein change: p.Ser974Phe; replaces serine 974 with phenylalanine.
Molecular consequence: missense variant.
Genome position (GRCh38, 1-based): chr6:129,297,749, C>T. VCF-style: chr6-129297749-C-T. GRCh37 (hg19) VCF-style: chr6-129618894-C-T.
Other names: c.2921C>T, p.Ser974Phe (NM_001079823.2); short protein forms S974F.
Identifiers: ClinVar variation 2152358 (VCV002152358.1), dbSNP rs2482335138, ClinGen allele CA365611038.

ClinVar aggregate classification (germline): Uncertain significance (1 of 4 stars; one submission).

Conditions:
LAMA2-related muscular dystrophy (LAMA2-RD). Also called: Laminin alpha 2-related dystrophy. Identifiers: MedGen C5679788, MONDO:0100228.

Submission:

Labcorp Genetics (formerly Invitae), Labcorp
Classification: Uncertain significance for LAMA2-related muscular dystrophy. Last evaluated: 2022-07-17. Review status: criteria provided, single submitter. Criteria: Invitae Variant Classification Sherloc (09022015). Collection method: clinical testing. Allele origin: germline.
Comment: This sequence change replaces serine, which is neutral and polar, with phenylalanine, which is neutral and non-polar, at codon 974 of the LAMA2 protein (p.Ser974Phe). This variant is not present in population databases (gnomAD no frequency). This variant has not been reported in the literature in individuals affected with LAMA2-related conditions. Advanced modeling of protein sequence and biophysical properties (such as structural, functional, and spatial information, amino acid conservation, physicochemical variation, residue mobility, and thermodynamic stability) performed at Invitae indicates that this missense variant is expected to disrupt LAMA2 protein function. In summary, the available evidence is currently insufficient to determine the role of this variant in disease. Therefore, it has been classified as a Variant of Uncertain Significance.